The following is an entry in ClinVar:

ClinVar aggregate classification (germline): Uncertain significance (1 of 4 stars; one submission).

Allele frequency attached by ClinVar (database versions not stated): gnomAD 0.00001; gnomAD exomes 0.00001; ExAC 0.00005.
gnomAD v4.1: 17 of 1,612,010 alleles (0.0011%); highest among the groups gnomAD compares: South Asian, 0.012%; no homozygotes.

Submission:

Labcorp Genetics (formerly Invitae), Labcorp
Classification: Uncertain significance. Last evaluated: 2025-11-03. Review status: criteria provided, single submitter. Criteria: Invitae Variant Classification Sherloc (09022015). Collection method: clinical testing. Allele origin: germline.
Comment: This sequence change replaces arginine, which is basic and polar, with cysteine, which is neutral and slightly polar, at codon 669 of the NALCN protein (p.Arg669Cys). This variant is present in population databases (rs754995809, gnomAD 0.02%). This variant has not been reported in the literature in individuals affected with NALCN-related conditions. ClinVar contains an entry for this variant (Variation ID: 1938879). Invitae Evidence Modeling of protein sequence and biophysical properties (such as structural, functional, and spatial information, amino acid conservation, physicochemical variation, residue mobility, and thermodynamic stability) indicates that this missense variant is not expected to disrupt NALCN protein function with a negative predictive value of 80%. In summary, the available evidence is currently insufficient to determine the role of this variant in disease. Therefore, it has been classified as a Variant of Uncertain Significance.

NM_052867.4(NALCN):c.2005C>T (p.Arg669Cys)

Gene: NALCN (sodium leak channel, non-selective; minus strand). Cytogenetic location: 13q33.1.
Variant type: single nucleotide variant.
Coding change: c.2005C>T on transcript NM_052867.4 (MANE Select); coding-DNA position 2005, C replaced by T.
Protein change: p.Arg669Cys; replaces arginine 669 with cysteine.
Molecular consequence: missense variant.
Genome position (GRCh38, 1-based): chr13:101,143,193, G>A on the plus strand (C>T on the coding strand, the complement: NALCN is on the minus strand). VCF-style: chr13-101143193-G-A. GRCh37 (hg19) VCF-style: chr13-101795544-G-A.
Other names: c.2005C>T, p.Arg669Cys (NM_001350748.2, NM_001350749.2); c.1918C>T, p.Arg640Cys (NM_001350750.2, NM_001350751.2); short protein forms R640C, R669C.
Identifiers: ClinVar variation 1938879 (VCV001938879.4), dbSNP rs754995809, ClinGen allele CA7035998.